The following is an entry in ClinVar:

ClinVar aggregate classification (germline): Uncertain significance (1 of 4 stars; one submission).

Conditions:
NOTCH1-related disorder. Also called: NOTCH1-related condition; NOTCH1-related disorders.

Submission:

PreventionGenetics, part of Exact Sciences
Classification: Uncertain significance for NOTCH1-related condition. Last evaluated: 2025-03-31. Review status: criteria provided, single submitter. Criteria: ACMG Guidelines, 2015. Collection method: clinical testing. Allele origin: germline.
Comment: The NOTCH1 c.2836A>G variant is predicted to result in the amino acid substitution p.Ile946Val. To our knowledge, this variant has not been reported in the literature or in a large population database (gnomAD), indicating this variant is rare. At this time, the clinical significance of this variant is uncertain due to the absence of conclusive functional and genetic evidence.

NM_017617.5(NOTCH1):c.2836A>G (p.Ile946Val)

Gene: NOTCH1 (notch receptor 1; minus strand). Cytogenetic location: 9q34.3.
Variant type: single nucleotide variant.
Coding change: c.2836A>G on transcript NM_017617.5 (MANE Select); coding-DNA position 2836, A replaced by G.
Protein change: p.Ile946Val; replaces isoleucine 946 with valine.
Molecular consequence: missense variant.
Genome position (GRCh38, 1-based): chr9:136,509,866, T>C on the plus strand (A>G on the coding strand, the complement: NOTCH1 is on the minus strand). VCF-style: chr9-136509866-T-C. GRCh37 (hg19) VCF-style: chr9-139404318-T-C.
Other names: short protein forms I946V.
Identifiers: ClinVar variation 4977331 (VCV004977331.1).